The following is an entry in ClinVar:

NM_206933.4(USH2A):c.3013del (p.His1005fs)

Genes: USH2A (usherin; minus strand), USH2A-AS1 (USH2A antisense RNA 1; plus strand). Cytogenetic location: 1q41.
Variant type: Deletion.
Coding change: c.3013del on transcript NM_206933.4 (MANE Select); coding-DNA position 3013, one base deleted (C; older notation c.3013delC).
Protein change: p.His1005fs; shifts the reading frame from histidine 1005.
Molecular consequence: frameshift variant.
Genome position (GRCh38, 1-based): chr1:216,217,531, G deleted on the plus strand (C on the coding strand, the reverse complement: USH2A is on the minus strand). VCF-style (leftmost placement, unchanged base first): chr1-216217530-TG-T. GRCh37 (hg19) VCF-style: chr1-216390872-TG-T.
Other names: c.3013del, p.His1005fs (NM_007123.6); short protein forms H1005fs.
Identifiers: ClinVar variation 5015313 (VCV005015313.1).

ClinVar aggregate classification (germline): Pathogenic (1 of 4 stars; one submission).

Conditions:
USH2A-related disorder. Also called: USH2A-related condition; USH2A-related disorders. Identifiers: MedGen CN239332.

Submission:

Myriad Genetics, Inc.
Classification: Pathogenic for USH2A-related disorder. Last evaluated: 2025-12-12. Review status: criteria provided, single submitter. Criteria: Myriad Autosomal Dominant, Autosomal Recessive and X-Linked Classification Criteria (2023). Collection method: clinical testing. Allele origin: unknown.
Comment: NM_206933.2(USH2A):c.3013delC(H1005Ifs*6) is expected to be pathogenic in the context of USH2A-related disorders. This variant is predicted to lead to an abnormal or absent protein product due to the creation of a premature termination codon in USH2A, a gene where loss-of-function variants are known to be pathogenic. Please note: this variant was assessed in the context of healthy population screening.